The following is an entry in ClinVar:

ClinVar aggregate classification (germline): Benign/Likely benign. Review status: criteria provided, multiple submitters, no conflicts (2 of 4 stars). 3 submissions from 3 submitters: Benign (1); Likely benign (2). Last evaluated 2026-01-26.

Conditions:
TWIST1-related craniosynostosis (CRS1). Also called: CRANIOSYNOSTOSIS 1. Identifiers: Orphanet 63440, MedGen C4551902, MONDO:0007399, OMIM 123100. Inheritance: Heterogenous inheritance pattern.

Allele frequency attached by ClinVar (database versions not stated): 1000 Genomes Project 0.00679; 1000 Genomes Project 30x 0.00703; TOPMed 0.01057; gnomAD 0.01177 and 0.01186; ESP Exome Variant Server 0.01217; gnomAD exomes 0.01404; ExAC 0.01577.
gnomAD v4.1: 27,914 of 1,607,218 alleles (1.7%); highest among the groups gnomAD compares: Non-Finnish European, 2%; 276 homozygotes.

Submissions (3):

Labcorp Genetics (formerly Invitae), Labcorp
Classification: Benign for TWIST1-related craniosynostosis. Last evaluated: 2026-01-26. Review status: criteria provided, single submitter. Criteria: Invitae Variant Classification Sherloc (09022015). Collection method: clinical testing. Allele origin: germline.

GeneDx
Classification: Likely benign. Last evaluated: 2024-11-07. Review status: criteria provided, single submitter. Criteria: GeneDx Variant Classification Process June 2021. Collection method: clinical testing. Allele origin: germline. Affected: yes.
Comment: See Variant Classification Assertion Criteria.

Breakthrough Genomics
Classification: Likely benign. Review status: criteria provided, single submitter. Criteria: ACMG Guidelines, 2015. Collection method: not provided. Allele origin: germline. Inheritance: Autosomal dominant inheritance. Affected: yes.

NM_006494.4(ERF):c.1244C>T (p.Ala415Val)

Gene: ERF (ETS2 repressor factor; minus strand). Cytogenetic location: 19q13.2.
Variant type: single nucleotide variant.
Coding change: c.1244C>T on transcript NM_006494.4 (MANE Select); coding-DNA position 1244, C replaced by T.
Protein change: p.Ala415Val; replaces alanine 415 with valine.
Molecular consequence: missense variant.
Genome position (GRCh38, 1-based): chr19:42,248,868, G>A on the plus strand (C>T on the coding strand, the complement: ERF is on the minus strand). VCF-style: chr19-42248868-G-A. GRCh37 (hg19) VCF-style: chr19-42753020-G-A.
Other names: c.1019C>T, p.Ala340Val (NM_001301035.2, NM_001308402.2, NM_001312656.2); short protein forms A415V, A340V.
Identifiers: ClinVar variation 476625 (VCV000476625.18), dbSNP rs139842507, ClinGen allele CA9471217.
Genomic context (GRCh38, chr19:42,248,868, plus strand): 5'-GACTCGCCTTCCGAGATGGGCTCCACCTTGATCTGTGGTGGCGGGGGCGGTGGGGCTAGC[G>A]CCCCTGCCCCCTCAGCCAGCCCGCCTGCACTGCCACCGCTCTTGTCAGCACCGGCTACGG-3'
Protein context (NP_006485.2, residues 405-425): SAGGLAEGAG[Ala415Val]LAPPPPPPQI